The following is an entry in ClinVar:

ClinVar aggregate classification (germline): Uncertain significance. Review status: criteria provided, single submitter (1 of 4 stars). 2 submissions from 2 submitters: Uncertain significance (1). 1 of the submissions does not count toward it. Last evaluated 2022-07-20.

Conditions:
Tay-Sachs disease (TSD). Also called: HEXA Disorders; HEXA DEFICIENCY; Hexosaminidase A Deficiency; GM2 gangliosidosis, type 1; Hexosaminidase alpha-subunit deficiency (variant B); Sphingolipidosis, Tay-Sachs. Identifiers: Orphanet 845, MedGen C0039373, MONDO:0010100, OMIM 272800.

Allele frequency attached by ClinVar (database versions not stated): gnomAD exomes below 0.00001; TOPMed 0.00004; gnomAD 0.00005 and 0.00006.
gnomAD v4.1: 16 of 1,614,148 alleles (0.00099%); highest among the groups gnomAD compares: African/African-American, 0.019%; no homozygotes.

Submissions (2):

Labcorp Genetics (formerly Invitae), Labcorp
Classification: Uncertain significance for Tay-Sachs disease. Last evaluated: 2022-07-20. Review status: criteria provided, single submitter. Criteria: Invitae Variant Classification Sherloc (09022015). Collection method: clinical testing. Allele origin: germline.
Comment: This sequence change replaces valine, which is neutral and non-polar, with isoleucine, which is neutral and non-polar, at codon 96 of the HEXA protein (p.Val96Ile). This variant is present in population databases (no rsID available, gnomAD 0.02%). This variant has not been reported in the literature in individuals affected with HEXA-related conditions. ClinVar contains an entry for this variant (Variation ID: 554856). Algorithms developed to predict the effect of missense changes on protein structure and function output the following: SIFT: "Tolerated"; PolyPhen-2: "Benign"; Align-GVGD: "Class C0". The isoleucine amino acid residue is found in multiple mammalian species, which suggests that this missense change does not adversely affect protein function. In summary, the available evidence is currently insufficient to determine the role of this variant in disease. Therefore, it has been classified as a Variant of Uncertain Significance.

Counsyl
Classification: Uncertain significance for Tay-Sachs disease. Last evaluated: 2017-11-16. Review status: no assertion criteria provided. Collection method: clinical testing. Allele origin: unknown. Not counted in ClinVar's aggregate classification.

NM_000520.6(HEXA):c.286G>A (p.Val96Ile)

Gene: HEXA (hexosaminidase subunit alpha; minus strand). Cytogenetic location: 15q23.
Variant type: single nucleotide variant.
Coding change: c.286G>A on transcript NM_000520.6 (MANE Select); coding-DNA position 286, G replaced by A.
Protein change: p.Val96Ile; replaces valine 96 with isoleucine.
Molecular consequence: missense variant. On other transcripts: non-coding transcript variant (1).
Genome position (GRCh38, 1-based): chr15:72,356,585, C>T on the plus strand (G>A on the coding strand, the complement: HEXA is on the minus strand). VCF-style: chr15-72356585-C-T. GRCh37 (hg19) VCF-style: chr15-72648926-C-T.
Other names: c.319G>A, p.Val107Ile (NM_001318825.2); short protein forms V96I, V107I.
Identifiers: ClinVar variation 554856 (VCV000554856.5), dbSNP rs868358306, ClinGen allele CA272615070.